The following is an entry in ClinVar:

NM_052947.4(ALPK2):c.1934A>G (p.Gln645Arg)

Gene: ALPK2 (alpha kinase 2; minus strand). Cytogenetic location: 18q21.31.
Variant type: single nucleotide variant.
Coding change: c.1934A>G on transcript NM_052947.4 (MANE Select); coding-DNA position 1934, A replaced by G.
Protein change: p.Gln645Arg; replaces glutamine 645 with arginine.
Molecular consequence: missense variant.
Genome position (GRCh38, 1-based): chr18:58,578,842, T>C on the plus strand (A>G on the coding strand, the complement: ALPK2 is on the minus strand). VCF-style: chr18-58578842-T-C. GRCh37 (hg19) VCF-style: chr18-56246074-T-C.
Other names: short protein forms Q645R.
Identifiers: ClinVar variation 3228595 (VCV003228595.1), dbSNP rs1258075712, ClinGen allele CA402559419.

ClinVar aggregate classification (germline): Uncertain significance (1 of 4 stars; one submission).

Allele frequency attached by ClinVar (database versions not stated): TOPMed below 0.00001; gnomAD 0.00001.
gnomAD v4.1: 1 of 1,613,706 alleles (0.000062%); highest among the groups gnomAD compares: Non-Finnish European, 0.000085%; no homozygotes.

Submission:

Ambry Genetics
Classification: Uncertain significance. Last evaluated: 2023-09-28. Review status: criteria provided, single submitter. Criteria: Ambry Variant Classification Scheme 2023. Collection method: clinical testing. Allele origin: germline.
Comment: The p.Q645R variant (also known as c.1934A>G), located in coding exon 3 of the ALPK2 gene, results from an A to G substitution at nucleotide position 1934. The glutamine at codon 645 is replaced by arginine, an amino acid with highly similar properties. This amino acid position is conserved. In addition, this alteration is predicted to be tolerated by in silico analysis. Since supporting evidence is limited at this time, the clinical significance of this alteration remains unclear.